The following is an entry in ClinVar:

ClinVar aggregate classification (germline): Uncertain significance. Review status: criteria provided, single submitter (1 of 4 stars). 2 submissions from 2 submitters: Uncertain significance (1). 1 of the submissions does not count toward it. Last evaluated 2023-09-06.

Conditions:
Familial cancer of breast. Also called: BREAST CANCER, FAMILIAL; Hereditary breast cancer; hereditary breast carcinoma. Identifiers: Orphanet 227535, MedGen C0346153, MONDO:0016419, OMIM 114480. Disease mechanism: loss of function.

gnomAD v4.1: 1 of 1,614,064 alleles (0.000062%); highest among the groups gnomAD compares: East Asian, 0.0022%; no homozygotes.

Submissions (2):

Labcorp Genetics (formerly Invitae), Labcorp
Classification: Uncertain significance for Familial cancer of breast. Last evaluated: 2023-09-06. Review status: criteria provided, single submitter. Criteria: Invitae Variant Classification Sherloc (09022015). Collection method: clinical testing. Allele origin: germline.
Comment: In summary, the available evidence is currently insufficient to determine the role of this variant in disease. Therefore, it has been classified as a Variant of Uncertain Significance. Advanced modeling of protein sequence and biophysical properties (such as structural, functional, and spatial information, amino acid conservation, physicochemical variation, residue mobility, and thermodynamic stability) performed at Invitae indicates that this missense variant is not expected to disrupt PALB2 protein function. ClinVar contains an entry for this variant (Variation ID: 830130). This variant has not been reported in the literature in individuals affected with PALB2-related conditions. This variant is not present in population databases (gnomAD no frequency). This sequence change replaces serine, which is neutral and polar, with arginine, which is basic and polar, at codon 415 of the PALB2 protein (p.Ser415Arg).

Leiden Open Variation Database
Classification: Uncertain significance. Last evaluated: 2018-10-10. Review status: no assertion criteria provided. Collection method: curation. Allele origin: germline. Affected: yes. Not counted in ClinVar's aggregate classification.
Comment: Curators: Marc Tischkowitz, Arleen D. Auerbach. Submitter to LOVD: Yukihide Momozawa.

Literature cited by the submitters: PubMed 30287823 (cited by Leiden Open Variation Database).

NM_024675.4(PALB2):c.1245C>A (p.Ser415Arg)

Gene: PALB2 (partner and localizer of BRCA2; minus strand). Cytogenetic location: 16p12.2.
Variant type: single nucleotide variant.
Coding change: c.1245C>A on transcript NM_024675.4 (MANE Select); coding-DNA position 1245, C replaced by A.
Protein change: p.Ser415Arg; replaces serine 415 with arginine.
Molecular consequence: missense variant.
Genome position (GRCh38, 1-based): chr16:23,635,301, G>T on the plus strand (C>A on the coding strand, the complement: PALB2 is on the minus strand). VCF-style: chr16-23635301-G-T. GRCh37 (hg19) VCF-style: chr16-23646622-G-T.
Other names: short protein forms S415R.
Identifiers: ClinVar variation 830130 (VCV000830130.4), dbSNP rs1966982144, ClinGen allele CA395132922.